The following is an entry in ClinVar:

NM_003119.4(SPG7):c.2185G>C (p.Ala729Pro)

Gene: SPG7 (SPG7 matrix AAA peptidase subunit, paraplegin; plus strand). Cytogenetic location: 16q24.3.
Variant type: single nucleotide variant.
Coding change: c.2185G>C on transcript NM_003119.4 (MANE Select); coding-DNA position 2185, G replaced by C.
Protein change: p.Ala729Pro; replaces alanine 729 with proline.
Molecular consequence: missense variant.
Genome position (GRCh38, 1-based): chr16:89,556,890, G>C. VCF-style: chr16-89556890-G-C. GRCh37 (hg19) VCF-style: chr16-89623298-G-C.
Other names: c.2393G>C, p.Gly798Ala (NM_001363850.1); short protein forms A729P, G798A.
Identifiers: ClinVar variation 3772452 (VCV003772452.13).

ClinVar aggregate classification (germline): Uncertain significance (1 of 4 stars; one submission).

Submission:

CeGaT Center for Human Genetics Tuebingen
Classification: Uncertain significance. Last evaluated: 2025-02-01. Review status: criteria provided, single submitter. Criteria: CeGaT Center For Human Genetics Tuebingen Variant Classification Criteria Version 2. Collection method: clinical testing. Allele origin: germline. Affected: yes. Observed: 1 variant allele.
Comment: SPG7: PM2, PM3:Supporting